The following is an entry in ClinVar:

NM_201384.3(PLEC):c.9280A>G (p.Lys3094Glu)

Gene: PLEC (plectin; minus strand). Cytogenetic location: 8q24.3.
Variant type: single nucleotide variant.
Coding change: c.9280A>G on transcript NM_201384.3 (MANE Select); coding-DNA position 9280, A replaced by G.
Protein change: p.Lys3094Glu; replaces lysine 3094 with glutamic acid.
Molecular consequence: missense variant.
Genome position (GRCh38, 1-based): chr8:143,920,541, T>C on the plus strand (A>G on the coding strand, the complement: PLEC is on the minus strand). VCF-style: chr8-143920541-T-C. GRCh37 (hg19) VCF-style: chr8-144994709-T-C.
Other names: c.9361A>G, p.Lys3121Glu (NM_000445.5); c.9238A>G, p.Lys3080Glu (NM_201378.4); c.9214A>G, p.Lys3072Glu (NM_201379.3); c.9691A>G, p.Lys3231Glu (NM_201380.4); c.9184A>G, p.Lys3062Glu (NM_201381.3); c.9280A>G, p.Lys3094Glu (NM_201382.4); c.9292A>G, p.Lys3098Glu (NM_201383.3); short protein forms K3062E, K3072E, K3080E, K3094E, K3098E, K3121E, K3231E.
Identifiers: ClinVar variation 1053775 (VCV001053775.9), dbSNP rs2131084399, ClinGen allele CA372511008.
Genomic context (GRCh38, chr8:143,920,541, plus strand): 5'-CGCTCTGCCCTGTGTAGGGGTCCCTGTACCCTGTCACAGCCTTCTCGGCTGATAGCAGCT[T>C]CTCATGAAACTCGGGGCCCACCAGGCCAGCACGCACTGCCTCGTCCACGGTCAGCCGGGC-3'
Protein context (NP_958786.1, residues 3084-3104): AGLVGPEFHE[Lys3094Glu]LLSAEKAVTG

ClinVar aggregate classification (germline): Uncertain significance (1 of 4 stars; one submission).

Conditions:
Epidermolysis bullosa simplex 5B, with muscular dystrophy (EBS5B). Also called: Epidermolysis bullosa simplex with muscular dystrophy; EPIDERMOLYSIS BULLOSA SIMPLEX AND LIMB-GIRDLE MUSCULAR DYSTROPHY. Identifiers: Orphanet 257, MedGen C2931072, MONDO:0009181, OMIM 226670.
Epidermolysis bullosa simplex 5C, with pyloric atresia (EBS5C). Also called: Epidermolysis bullosa simplex with pyloric atresia; PLEC-Related Epidermolysis Bullosa with Pyloric Atresia; PLEC1-Related Epidermolysis Bullosa with Pyloric Atresia. Identifiers: Orphanet 158684, MedGen C2677349, MONDO:0012807, OMIM 612138.
Epidermolysis bullosa simplex, Ogna type (EBS5A). Also called: Pidermolysis bullosa simplex 5A, Ogna type; EPIDERMOLYSIS BULLOSA SIMPLEX 5A, OGNA TYPE. Identifiers: Orphanet 79401, MedGen C0432317, MONDO:0007555, OMIM 131950.
Autosomal recessive limb-girdle muscular dystrophy type 2Q (LGMDR17). Also called: MUSCULAR DYSTROPHY, LIMB-GIRDLE, AUTOSOMAL RECESSIVE 17. Identifiers: Orphanet 254361, MedGen C3150989, MONDO:0013390, OMIM 613723.
Epidermolysis bullosa simplex with nail dystrophy (EBS5D). Identifiers: MedGen C4225309, MONDO:0014661, OMIM 616487.

Submission:

Labcorp Genetics (formerly Invitae), Labcorp
Classification: Uncertain significance for Autosomal recessive limb-girdle muscular dystrophy type 2Q; Epidermolysis bullosa simplex, Ogna type; Epidermolysis bullosa simplex with nail dystrophy; Epidermolysis bullosa simplex 5C, with pyloric atresia; Epidermolysis bullosa simplex 5B, with muscular dystrophy. Last evaluated: 2022-02-03. Review status: criteria provided, single submitter. Criteria: Invitae Variant Classification Sherloc (09022015). Collection method: clinical testing. Allele origin: germline.
Comment: This sequence change replaces lysine, which is basic and polar, with glutamic acid, which is acidic and polar, at codon 3121 of the PLEC protein (p.Lys3121Glu). This variant is not present in population databases (gnomAD no frequency). This variant has not been reported in the literature in individuals affected with PLEC-related conditions. ClinVar contains an entry for this variant (Variation ID: 1053775). Algorithms developed to predict the effect of missense changes on protein structure and function are either unavailable or do not agree on the potential impact of this missense change (SIFT: "Tolerated"; PolyPhen-2: "Possibly Damaging"; Align-GVGD: "Class C0"). In summary, the available evidence is currently insufficient to determine the role of this variant in disease. Therefore, it has been classified as a Variant of Uncertain Significance.